The following is an entry in ClinVar:

NM_004130.4(GYG1):c.851T>G (p.Leu284Arg)

Gene: GYG1 (glycogenin 1; plus strand). Cytogenetic location: 3q24.
Variant type: single nucleotide variant.
Coding change: c.851T>G on transcript NM_004130.4 (MANE Select); coding-DNA position 851, T replaced by G.
Protein change: p.Leu284Arg; replaces leucine 284 with arginine.
Molecular consequence: missense variant. On other transcripts: intron variant (2).
Genome position (GRCh38, 1-based): chr3:149,026,474, T>G. VCF-style: chr3-149026474-T-G. GRCh37 (hg19) VCF-style: chr3-148744261-T-G.
Other names: c.829-286T>G (NM_001184720.2); c.609-286T>G (NM_001184721.2); short protein forms L284R.
Identifiers: ClinVar variation 2076470 (VCV002076470.4), dbSNP rs2472762182, ClinGen allele CA354909097.

ClinVar aggregate classification (germline): Uncertain significance (1 of 4 stars; one submission).

Conditions:
Glycogen storage disease XV (GSD15). Also called: GLYCOGENIN DEFICIENCY; GSD XV. Identifiers: Orphanet 263297, MedGen C3150754, MONDO:0013291, OMIM 613507.
Polyglucosan body myopathy type 2. Identifiers: Orphanet 456369, MedGen C4015452, MONDO:0014526, OMIM 616199.

Submission:

Labcorp Genetics (formerly Invitae), Labcorp
Classification: Uncertain significance for Polyglucosan body myopathy type 2; Glycogen storage disease XV. Last evaluated: 2023-11-27. Review status: criteria provided, single submitter. Criteria: Invitae Variant Classification Sherloc (09022015). Collection method: clinical testing. Allele origin: germline.
Comment: This sequence change replaces leucine, which is neutral and non-polar, with arginine, which is basic and polar, at codon 284 of the GYG1 protein (p.Leu284Arg). This variant is not present in population databases (gnomAD no frequency). This variant has not been reported in the literature in individuals affected with GYG1-related conditions. ClinVar contains an entry for this variant (Variation ID: 2076470). An algorithm developed to predict the effect of missense changes on protein structure and function (PolyPhen-2) suggests that this variant is likely to be tolerated. In summary, the available evidence is currently insufficient to determine the role of this variant in disease. Therefore, it has been classified as a Variant of Uncertain Significance.